The following is an entry in ClinVar:

NM_000384.3(APOB):c.10751C>T (p.Thr3584Ile)

Gene: APOB (apolipoprotein B; minus strand). Cytogenetic location: 2p24.1.
Variant type: single nucleotide variant.
Coding change: c.10751C>T on transcript NM_000384.3 (MANE Select); coding-DNA position 10751, C replaced by T.
Protein change: p.Thr3584Ile; replaces threonine 3584 with isoleucine.
Molecular consequence: missense variant.
Genome position (GRCh38, 1-based): chr2:21,006,117, G>A on the plus strand (C>T on the coding strand, the complement: APOB is on the minus strand). VCF-style: chr2-21006117-G-A. GRCh37 (hg19) VCF-style: chr2-21228989-G-A.
Other names: short protein forms T3584I.
Identifiers: ClinVar variation 4532930 (VCV004532930.1).

ClinVar aggregate classification (germline): Uncertain significance (1 of 4 stars; one submission).

gnomAD v4.1: 1 of 1,613,990 alleles (0.000062%); highest among the groups gnomAD compares: South Asian, 0.0011%; no homozygotes.

Submission:

Quest Diagnostics Nichols Institute San Juan Capistrano
Classification: Uncertain significance. Last evaluated: 2025-06-05. Review status: criteria provided, single submitter. Criteria: Quest Diagnostics criteria. Collection method: clinical testing. Allele origin: unknown.
Comment: The APOB c.10751C>T (p.Thr3584Ile) variant has not been reported in individuals with APOB-related conditions in the published literature. It also has not been reported in large, multi-ethnic general populations (Genome Aggregation Database). Analysis of this variant using bioinformatics tools for the prediction of the effect of amino acid changes on protein structure and function yielded predictions that this variant is benign. Based on the available information, we are unable to determine the clinical significance of this variant.